The following is an entry in ClinVar:

NM_032575.3(GLIS2):c.195C>T (p.Phe65=)

Gene: GLIS2 (GLIS family zinc finger 2; plus strand). Cytogenetic location: 16p13.3.
Variant type: single nucleotide variant.
Coding change: c.195C>T on transcript NM_032575.3 (MANE Select); coding-DNA position 195, C replaced by T.
Protein change: p.Phe65=; no amino-acid change (phenylalanine 65 retained).
Molecular consequence: synonymous variant.
Genome position (GRCh38, 1-based): chr16:4,333,369, C>T. VCF-style: chr16-4333369-C-T. GRCh37 (hg19) VCF-style: chr16-4383370-C-T.
Other names: p.Phe65=; c.195C>T, p.Phe65= (NM_001318918.2); c.195C>T (NM_032575.2).
Identifiers: ClinVar variation 2963860 (VCV002963860.4), dbSNP rs145990457, ClinGen allele CA7872935.
Genomic context (GRCh38, chr16:4,333,369, plus strand): 5'-TACACTCCAGCACACCCTGAACTGTGCCTCTCCCTCAGGCTTCCTGCTGAACTCCAAGTT[C>T]CCCGAGAAGGTGGAGGGACGCTTTTCAGCAGCCCCTCTCGTGGACCTCAGCCTGTCACCA-3'
Protein context (NP_115964.2, residues 55-75): PPSGFLLNSK[Phe65=]PEKVEGRFSA

ClinVar aggregate classification (germline): Likely benign. Review status: criteria provided, multiple submitters, no conflicts (2 of 4 stars). 2 submissions from 2 submitters: Likely benign (2). Last evaluated 2025-04-21.

Conditions:
Nephronophthisis. Also called: Juvenile Nephronophthisis. Identifiers: Orphanet 655, MedGen C0687120, MONDO:0019005, HP:0000090.

Allele frequency attached by ClinVar (database versions not stated): 1000 Genomes Project 30x 0.00062; ESP Exome Variant Server 0.00038; 1000 Genomes Project 0.00080.
gnomAD v4.1: 82 of 1,613,078 alleles (0.0051%); highest among the groups gnomAD compares: African/African-American, 0.073%; no homozygotes.

Submissions (2):

Mayo Clinic Laboratories, Mayo Clinic
Classification: Likely benign. Last evaluated: 2025-04-21. Review status: criteria provided, single submitter. Criteria: ACMG Guidelines, 2015. Collection method: clinical testing. Allele origin: germline. Observed: 1 variant allele.
Comment: BP4, BP7

Labcorp Genetics (formerly Invitae), Labcorp
Classification: Likely benign for Nephronophthisis. Last evaluated: 2025-02-17. Review status: criteria provided, single submitter. Criteria: Invitae Variant Classification Sherloc (09022015). Collection method: clinical testing. Allele origin: germline.